The following is an entry in ClinVar:

NM_002454.3(MTRR):c.1183_1184del (p.Ser395fs)

Gene: MTRR (5-methyltetrahydrofolate-homocysteine methyltransferase reductase; plus strand). Cytogenetic location: 5p15.31.
Variant type: Deletion.
Coding change: c.1183_1184del on transcript NM_002454.3 (MANE Select); coding-DNA positions 1183 to 1184, 2 bases deleted (AG; older notation c.1183_1184delAG).
Protein change: p.Ser395fs; shifts the reading frame from serine 395.
Molecular consequence: frameshift variant. On other transcripts: non-coding transcript variant (14).
Genome position (GRCh38, 1-based): chr5:7,889,131-7,889,132, AG deleted. VCF-style (leftmost placement, unchanged base first): chr5-7889130-CAG-C. GRCh37 (hg19) VCF-style: chr5-7889243-CAG-C.
Other names: c.1183_1184delAG (NM_002454.2); c.1183_1184del, p.Ser395fs (NM_001364440.2, NM_001364441.2, NM_001364442.2 and 1 more transcripts); short protein forms S395fs.
Identifiers: ClinVar variation 650093 (VCV000650093.8), dbSNP rs1579758005, ClinGen allele CA915943279.

ClinVar aggregate classification (germline): Pathogenic/Likely pathogenic. Review status: criteria provided, multiple submitters, no conflicts (2 of 4 stars). 2 submissions from 2 submitters: Pathogenic (1); Likely pathogenic (1). Last evaluated 2024-07-30.

Conditions:
Methylcobalamin deficiency type cblE (HMAE). Also called: HOMOCYSTINURIA-MEGALOBLASTIC ANEMIA, cblE COMPLEMENTATION TYPE; HOMOCYSTINURIA-MEGALOBLASTIC ANEMIA, cblE TYPE; VITAMIN B12-RESPONSIVE HOMOCYSTINURIA, cblE TYPE. Identifiers: Orphanet 2169, Orphanet 622, MedGen C1856057, MONDO:0009354, OMIM 236270.

Allele frequency attached by ClinVar (database versions not stated): gnomAD exomes 0.00002.

Submissions (2):

Natera, Inc.
Classification: Likely pathogenic for CblE complementation type homocystinuria-megaloblastic anemia due to defect in cobalamin metabolism. Last evaluated: 2024-07-30. Review status: criteria provided, single submitter. Criteria: Natera Variant Classification Schema (03/2026). Collection method: clinical testing. Allele origin: germline.
Comment: The c.1183_1184delAG variant in MTRR is a frameshift variant predicted to shift the reading frame beginning at codon 395 and leads to a stop codon 2 codons downstream. This variant is expected to result in nonsense mediated decay, truncation, or a dysfunctional protein product. This variant is rare in the general population with a frequency below the threshold expected for the associated phenotype(s). Given the available evidence, this variant is classified as Likely Pathogenic.

Labcorp Genetics (formerly Invitae), Labcorp
Classification: Pathogenic for Methylcobalamin deficiency type cblE. Last evaluated: 2020-06-21. Review status: criteria provided, single submitter. Criteria: Invitae Variant Classification Sherloc (09022015). Collection method: clinical testing. Allele origin: germline.
Comment: For these reasons, this variant has been classified as Pathogenic. Loss-of-function variants in MTRR are known to be pathogenic (PMID: 15714522). This variant has not been reported in the literature in individuals with MTRR-related conditions. This variant is not present in population databases (ExAC no frequency). This sequence change creates a premature translational stop signal (p.Ser395Cysfs*2) in the MTRR gene. It is expected to result in an absent or disrupted protein product.

Literature cited by the submitters: PubMed 15714522 (cited by Labcorp Genetics (formerly Invitae), Labcorp).